The following is an entry in ClinVar:

NM_000393.5(COL5A2):c.4163C>G (p.Thr1388Ser)

Gene: COL5A2 (collagen type V alpha 2 chain; minus strand). Cytogenetic location: 2q32.2.
Variant type: single nucleotide variant.
Coding change: c.4163C>G on transcript NM_000393.5 (MANE Select); coding-DNA position 4163, C replaced by G.
Protein change: p.Thr1388Ser; replaces threonine 1388 with serine.
Molecular consequence: missense variant.
Genome position (GRCh38, 1-based): chr2:189,035,106, G>C on the plus strand (C>G on the coding strand, the complement: COL5A2 is on the minus strand). VCF-style: chr2-189035106-G-C. GRCh37 (hg19) VCF-style: chr2-189899832-G-C.
Other names: short protein forms T1388S.
Identifiers: ClinVar variation 1426590 (VCV001426590.8), dbSNP rs771415085, ClinGen allele CA2021833.

ClinVar aggregate classification (germline): Uncertain significance (1 of 4 stars; one submission).

Conditions:
Ehlers-Danlos syndrome, classic type, 1 (EDSCL1). Also called: EHLERS-DANLOS SYNDROME, GRAVIS TYPE; EHLERS-DANLOS SYNDROME, SEVERE CLASSIC TYPE; Ehlers-Danlos syndrome, type 1; Ehlers-Danlos Syndrome, Classic Type, COL5A1-Related; EDS I. Identifiers: MedGen C0268335, MONDO:0019567, OMIM 130000.

Allele frequency attached by ClinVar (database versions not stated): TOPMed 0.00002; gnomAD 0.00002.
gnomAD v4.1: 8 of 1,613,722 alleles (0.0005%); highest among the groups gnomAD compares: African/African-American, 0.0067%; no homozygotes.

Submission:

Labcorp Genetics (formerly Invitae), Labcorp
Classification: Uncertain significance for Ehlers-Danlos syndrome, classic type, 1. Last evaluated: 2021-05-01. Review status: criteria provided, single submitter. Criteria: Invitae Variant Classification Sherloc (09022015). Collection method: clinical testing. Allele origin: germline.
Comment: This variant is present in population databases (rs771415085, ExAC 0.01%). This variant has not been reported in the literature in individuals with COL5A2-related conditions. Advanced modeling of protein sequence and biophysical properties (such as structural, functional, and spatial information, amino acid conservation, physicochemical variation, residue mobility, and thermodynamic stability) performed at Invitae indicates that this missense variant is not expected to disrupt COL5A2 protein function. In summary, the available evidence is currently insufficient to determine the role of this variant in disease. Therefore, it has been classified as a Variant of Uncertain Significance. This sequence change replaces threonine with serine at codon 1388 of the COL5A2 protein (p.Thr1388Ser). The threonine residue is highly conserved and there is a small physicochemical difference between threonine and serine.